The following is an entry in ClinVar:

NM_001197104.2(KMT2A):c.6773G>T (p.Ser2258Ile)

Gene: KMT2A (lysine methyltransferase 2A; plus strand). Cytogenetic location: 11q23.3.
Variant type: single nucleotide variant.
Coding change: c.6773G>T on transcript NM_001197104.2 (MANE Select); coding-DNA position 6773, G replaced by T.
Protein change: p.Ser2258Ile; replaces serine 2258 with isoleucine.
Molecular consequence: missense variant.
Genome position (GRCh38, 1-based): chr11:118,502,665, G>T. VCF-style: chr11-118502665-G-T. GRCh37 (hg19) VCF-style: chr11-118373380-G-T.
Other names: c.6863G>T, p.Ser2288Ile (NM_001412597.1); c.6764G>T, p.Ser2255Ile (NM_005933.4); short protein forms S2255I, S2288I, S2258I.
Identifiers: ClinVar variation 3634335 (VCV003634335.2).
Genomic context (GRCh38, chr11:118,502,665, plus strand): 5'-ATCTTGAATCAAGTGCCAAAGTAGTTGATCATGTCTTAGGGCCACTGAATTCAAGTACTA[G>T]TTTAGGGCAAAACACTTCCACCTCTTCAAATTTGCAAAGGACAGTGGTTACTGTAGGCAA-3'
Protein context (NP_001184033.1, residues 2248-2268): HVLGPLNSST[Ser2258Ile]LGQNTSTSSN

ClinVar aggregate classification (germline): Uncertain significance (1 of 4 stars; one submission).

Submission:

Labcorp Genetics (formerly Invitae), Labcorp
Classification: Uncertain significance. Last evaluated: 2025-10-03. Review status: criteria provided, single submitter. Criteria: Invitae Variant Classification Sherloc (09022015). Collection method: clinical testing. Allele origin: germline.
Comment: This sequence change replaces serine, which is neutral and polar, with isoleucine, which is neutral and non-polar, at codon 2258 of the KMT2A protein (p.Ser2258Ile). This variant is not present in population databases (gnomAD no frequency). This variant has not been reported in the literature in individuals affected with KMT2A-related conditions. ClinVar contains an entry for this variant (Variation ID: 3634335). Invitae Evidence Modeling of protein sequence and biophysical properties (such as structural, functional, and spatial information, amino acid conservation, physicochemical variation, residue mobility, and thermodynamic stability) indicates that this missense variant is not expected to disrupt KMT2A protein function with a negative predictive value of 95%. In summary, the available evidence is currently insufficient to determine the role of this variant in disease. Therefore, it has been classified as a Variant of Uncertain Significance.